The following is an entry in ClinVar:

NM_133459.4(CCBE1):c.*2758C>T

Gene: CCBE1 (collagen and calcium binding EGF domains 1; minus strand). Cytogenetic location: 18q21.32.
Variant type: single nucleotide variant.
Coding change: c.*2758C>T on transcript NM_133459.4 (MANE Select); 2758 bases downstream of the stop codon, C replaced by T.
Molecular consequence: 3 prime UTR variant.
Genome position (GRCh38, 1-based): chr18:59,433,150, G>A on the plus strand (C>T on the coding strand, the complement: CCBE1 is on the minus strand). VCF-style: chr18-59433150-G-A. GRCh37 (hg19) VCF-style: chr18-57100382-G-A.
Other names: c.*2758C>T (LRG_1209t1).
Identifiers: ClinVar variation 327632 (VCV000327632.6), dbSNP rs114107592, ClinGen allele CA10651261.

ClinVar aggregate classification (germline): Benign. Review status: criteria provided, multiple submitters, no conflicts (2 of 4 stars). 2 submissions from 2 submitters: Benign (2). Last evaluated 2018-01-13.

Conditions:
Hennekam lymphangiectasia-lymphedema syndrome 1 (HKLLS1). Also called: LYMPHATIC DYSPLASIA, GENERALIZED. Identifiers: Orphanet 2136, MedGen C4012050, MONDO:0009337, OMIM 235510.

Allele frequency attached by ClinVar (database versions not stated): gnomAD 0.01336 and 0.01425; TOPMed 0.01565; 1000 Genomes Project 0.01717; 1000 Genomes Project 30x 0.01827.

Submissions (2):

Illumina Laboratory Services, Illumina
Classification: Benign for Hennekam lymphangiectasia-lymphedema syndrome 1. Last evaluated: 2018-01-13. Review status: criteria provided, single submitter. Criteria: ICSL Variant Classification Criteria 13 December 2019. Collection method: clinical testing. Allele origin: germline.
Comment: This variant was observed in the ICSL laboratory as part of a predisposition screen in an ostensibly healthy population. It had not been previously curated by ICSL or reported in the Human Gene Mutation Database (HGMD: prior to June 1st, 2018), and was therefore a candidate for classification through an automated scoring system. Utilizing variant allele frequency, disease prevalence and penetrance estimates, and inheritance mode, an automated score was calculated to assess if this variant is too frequent to cause the disease. Based on the score and internal cut-off values, a variant classified as benign is not then subjected to further curation. The score for this variant resulted in a classification of benign for this disease.

Breakthrough Genomics
Classification: Benign. Review status: criteria provided, single submitter. Criteria: ACMG Guidelines, 2015. Collection method: not provided. Allele origin: germline. Inheritance: Autosomal recessive inheritance. Affected: yes.